The following is an entry in ClinVar:

ClinVar aggregate classification (germline): Uncertain significance (1 of 4 stars; one submission).

Conditions:
Atrioventricular septal defect 5 (AVSD5). Identifiers: MedGen C3280939, MONDO:0013769, OMIM 614474.

Allele frequency attached by ClinVar (database versions not stated): gnomAD 0.00001; gnomAD exomes 0.00001; TOPMed 0.00002.
gnomAD v4.1: 11 of 1,533,656 alleles (0.00072%); highest among the groups gnomAD compares: Non-Finnish European, 0.00096%; no homozygotes.

Submission:

Labcorp Genetics (formerly Invitae), Labcorp
Classification: Uncertain significance for Atrioventricular septal defect 5. Last evaluated: 2025-11-09. Review status: criteria provided, single submitter. Criteria: Invitae Variant Classification Sherloc (09022015). Collection method: clinical testing. Allele origin: germline.
Comment: This sequence change replaces alanine, which is neutral and non-polar, with valine, which is neutral and non-polar, at codon 368 of the GATA6 protein (p.Ala368Val). This variant is not present in population databases (gnomAD no frequency). This variant has not been reported in the literature in individuals affected with GATA6-related conditions. ClinVar contains an entry for this variant (Variation ID: 1493705). Invitae Evidence Modeling of protein sequence and biophysical properties (such as structural, functional, and spatial information, amino acid conservation, physicochemical variation, residue mobility, and thermodynamic stability) indicates that this missense variant is not expected to disrupt GATA6 protein function with a negative predictive value of 80%. In summary, the available evidence is currently insufficient to determine the role of this variant in disease. Therefore, it has been classified as a Variant of Uncertain Significance.

NM_005257.6(GATA6):c.1103C>T (p.Ala368Val)

Gene: GATA6 (GATA binding protein 6; plus strand). Cytogenetic location: 18q11.2.
Variant type: single nucleotide variant.
Coding change: c.1103C>T on transcript NM_005257.6 (MANE Select); coding-DNA position 1103, C replaced by T.
Protein change: p.Ala368Val; replaces alanine 368 with valine.
Molecular consequence: missense variant.
Genome position (GRCh38, 1-based): chr18:22,172,247, C>T. VCF-style: chr18-22172247-C-T. GRCh37 (hg19) VCF-style: chr18-19752208-C-T.
Other names: short protein forms A368V.
Identifiers: ClinVar variation 1493705 (VCV001493705.6), dbSNP rs1457725461, ClinGen allele CA401801816.